The following is an entry in ClinVar:

ClinVar aggregate classification (germline): Uncertain significance. Review status: criteria provided, multiple submitters, no conflicts (2 of 4 stars). 2 submissions from 2 submitters: Uncertain significance (2). Last evaluated 2026-03-26.

Conditions:
Hereditary cancer-predisposing syndrome. Also called: Neoplastic Syndromes, Hereditary; Tumor predisposition; Hereditary neoplastic syndrome; Hereditary Cancer Syndrome. Identifiers: Orphanet 140162, MedGen C0027672, MeSH D009386, MONDO:0015356.

Submissions (2):

GeneDx
Classification: Uncertain significance. Last evaluated: 2026-03-26. Review status: criteria provided, single submitter. Criteria: GeneDx Variant Classification Process June 2021. Collection method: clinical testing. Allele origin: germline.
Comment: Not observed at significant frequency in large population cohorts (gnomAD); In silico analysis supports that this missense variant has a deleterious effect on protein structure/function; Has not been previously published as pathogenic or benign to our knowledge; This variant is associated with the following publications: (PMID: 18466115)

Ambry Genetics
Classification: Uncertain significance for Hereditary cancer-predisposing syndrome. Last evaluated: 2025-03-22. Review status: criteria provided, single submitter. Criteria: Ambry Variant Classification Scheme 2023. Collection method: clinical testing. Allele origin: germline.
Comment: The p.L1717Q variant (also known as c.5150T>A), located in coding exon 39 of the TSC2 gene, results from a T to A substitution at nucleotide position 5150. The leucine at codon 1717 is replaced by glutamine, an amino acid with dissimilar properties. This amino acid position is highly conserved in available vertebrate species. In addition, this alteration is predicted to be deleterious by in silico analysis. Based on the available evidence, the clinical significance of this variant remains unclear.

NM_000548.5(TSC2):c.5150T>A (p.Leu1717Gln)

Gene: TSC2 (TSC complex subunit 2; plus strand). Cytogenetic location: 16p13.3.
Variant type: single nucleotide variant.
Coding change: c.5150T>A on transcript NM_000548.5 (MANE Select); coding-DNA position 5150, T replaced by A.
Protein change: p.Leu1717Gln; replaces leucine 1717 with glutamine.
Molecular consequence: missense variant. On other transcripts: non-coding transcript variant (5).
Genome position (GRCh38, 1-based): chr16:2,088,129, T>A. VCF-style: chr16-2088129-T-A. GRCh37 (hg19) VCF-style: chr16-2138130-T-A.
Other names: c.3605T>A, p.Leu1202Gln (NM_001406695.1, NM_001406696.1, NM_001406697.1); c.3347T>A, p.Leu1116Gln (NM_001406698.1); c.5021T>A, p.Leu1674Gln (NM_021055.3, NM_001370405.1); c.3608T>A, p.Leu1203Gln (NM_001406692.1, NM_001406693.1, NM_001406694.1); c.4949T>A, p.Leu1650Gln (NM_001077183.3); c.5081T>A, p.Leu1694Gln (NM_001114382.3); c.4841T>A, p.Leu1614Gln (NM_001318827.2); c.4805T>A, p.Leu1602Gln (NM_001318829.2); and 26 more; short protein forms L1202Q, L1246Q, L1450Q, L1601Q, L1614Q, L1650Q, L1681Q, L1225Q.
Identifiers: ClinVar variation 3974623 (VCV003974623.2).